The following is an entry in ClinVar:

ClinVar aggregate classification (germline): Uncertain significance (1 of 4 stars; one submission).

Submission:

GeneDx
Classification: Uncertain significance. Last evaluated: 2020-05-20. Review status: criteria provided, single submitter. Criteria: GeneDx Variant Classification Process June 2021. Collection method: clinical testing. Allele origin: germline. Affected: yes.
Comment: Not observed in large population cohorts (Lek et al., 2016); In silico analysis, which includes protein predictors and evolutionary conservation, supports that this variant does not alter protein structure/function; Has not been previously published as pathogenic or benign to our knowledge

NM_001844.5(COL2A1):c.1283C>G (p.Ala428Gly)

Gene: COL2A1 (collagen type II alpha 1 chain; minus strand). Cytogenetic location: 12q13.11.
Variant type: single nucleotide variant.
Coding change: c.1283C>G on transcript NM_001844.5 (MANE Select); coding-DNA position 1283, C replaced by G.
Protein change: p.Ala428Gly; replaces alanine 428 with glycine.
Molecular consequence: missense variant.
Genome position (GRCh38, 1-based): chr12:47,987,160, G>C on the plus strand (C>G on the coding strand, the complement: COL2A1 is on the minus strand). VCF-style: chr12-47987160-G-C. GRCh37 (hg19) VCF-style: chr12-48380943-G-C.
Other names: c.1076C>G, p.Ala359Gly (NM_033150.3); short protein forms A359G, A428G.
Identifiers: ClinVar variation 1312487 (VCV001312487.2), dbSNP rs1939466968, ClinGen allele CA384554013.